The following is an entry in ClinVar:

NC_000006.11:g.(?_51798898)_(51824834_?)dup

Gene: PKHD1 (PKHD1 ciliary IPT domain containing fibrocystin/polyductin; minus strand). Cytogenetic location: 6p12.3-12.2.
Variant type: Duplication.
Identifiers: ClinVar variation 2427256 (VCV002427256.5).

ClinVar aggregate classification (germline): Likely pathogenic (1 of 4 stars; one submission).

Conditions:
Autosomal recessive polycystic kidney disease (ARPKD). Also called: AR polycystic kidney disease. Identifiers: Orphanet 731, Orphanet 8378, MedGen C0085548, MeSH D017044, MONDO:0009889.

Submission:

Labcorp Genetics (formerly Invitae), Labcorp
Classification: Likely pathogenic for Autosomal recessive polycystic kidney disease. Last evaluated: 2022-08-18. Review status: criteria provided, single submitter. Criteria: Invitae Variant Classification Sherloc (09022015). Collection method: clinical testing. Allele origin: germline.
Comment: In summary, the currently available evidence indicates that the variant is pathogenic, but additional data are needed to prove that conclusively. Therefore, this variant has been classified as Likely Pathogenic. This variant has not been reported in the literature in individuals affected with PKHD1-related conditions. This variant results in a copy number gain of the genomic region encompassing exon(s) 36-37 of the PKHD1 gene. While the exact position of this variant cannot be determined from the data, sub-genic copy number gains are generally in tandem (PMID: 25640679). This variant is predicted to be out-of-frame, and may result in an absent or disrupted protein product. Loss-of-function variants in PKHD1 are known to be pathogenic (PMID: 19940839).

Literature cited by the submitters: PubMed 25640679; PubMed 19940839.